The following is an entry in ClinVar:

ClinVar aggregate classification (germline): Likely benign. Review status: criteria provided, multiple submitters, no conflicts (2 of 4 stars). 2 submissions from 2 submitters: Likely benign (2). Last evaluated 2025-06-25.

Conditions:
P4HTM-related disorder. Also called: P4HTM-related condition.

Allele frequency attached by ClinVar (database versions not stated): ExAC 0.00005; gnomAD 0.00011; 1000 Genomes Project 30x 0.00016; TOPMed 0.00018; 1000 Genomes Project 0.00020; ESP Exome Variant Server 0.00023.
gnomAD v4.1: 92 of 1,613,636 alleles (0.0057%); highest among the groups gnomAD compares: Middle Eastern, 0.049%; 1 homozygote.

Submissions (2):

PreventionGenetics, part of Exact Sciences
Classification: Likely benign for P4HTM-related condition. Last evaluated: 2025-06-25. Review status: criteria provided, single submitter. Criteria: ACMG Guidelines, 2015. Collection method: clinical testing. Allele origin: germline.
Comment: This variant is classified as likely benign based on ACMG/AMP sequence variant interpretation guidelines (Richards et al. 2015 PMID: 25741868, with internal and published modifications).

CeGaT Center for Human Genetics Tuebingen
Classification: Likely benign. Last evaluated: 2023-02-01. Review status: criteria provided, single submitter. Criteria: CeGaT Center For Human Genetics Tuebingen Variant Classification Criteria Version 2. Collection method: clinical testing. Allele origin: germline. Affected: yes. Observed: 1 variant allele.
Comment: P4HTM: BP4, BP7

NM_177939.3(P4HTM):c.699G>A (p.Ala233=)

Gene: P4HTM (prolyl 4-hydroxylase, transmembrane; plus strand). Cytogenetic location: 3p21.31.
Variant type: single nucleotide variant.
Coding change: c.699G>A on transcript NM_177939.3 (MANE Select); coding-DNA position 699, G replaced by A.
Protein change: p.Ala233=; no amino-acid change (alanine 233 retained).
Molecular consequence: synonymous variant.
Genome position (GRCh38, 1-based): chr3:49,002,571, G>A. VCF-style: chr3-49002571-G-A. GRCh37 (hg19) VCF-style: chr3-49040004-G-A.
Other names: c.699G>A, p.Ala233= (NM_177938.2).
Identifiers: ClinVar variation 2498931 (VCV002498931.29), dbSNP rs142286241, ClinGen allele CA2388327.